The following is an entry in ClinVar:

ClinVar aggregate classification (germline): Pathogenic. Review status: criteria provided, multiple submitters, no conflicts (2 of 4 stars). 25 submissions from 25 submitters: Pathogenic (23). 2 of the submissions do not count toward it. Last evaluated 2026-06-01.

Conditions:
CREBBP-related disorder. Also called: CREBBP-related disorders; CREBBP-related condition.
Rare genetic deafness. Identifiers: Orphanet 96210, MedGen C5680250.
Ichthyosis, hystrix-like, with hearing loss. Also called: Hystrix-like ichthyosis with deafness. Identifiers: Orphanet 477, MedGen C1865234, MONDO:0011245.
Palmoplantar keratoderma-deafness syndrome. Also called: Keratoderma palmoplantar, with deafness; Palmoplantar keratoderma and sensorineural deafness; Hereditary palmoplantar keratoderma with deafness (subtype); Focal palmoplantar keratoderma with sensorineural deafness (subtype); Diffuse palmoplantar keratoderma with deafness (subtype). Identifiers: Orphanet 2202, MedGen C1835672, MONDO:0007852, OMIM 148350.
Knuckle pads, deafness AND leukonychia syndrome. Also called: Bart-Pumphrey syndrome. Identifiers: Orphanet 2698, MedGen C0266004, MONDO:0007866, OMIM 149200.
X-linked mixed hearing loss with perilymphatic gusher. Also called: Gusher syndrome; NANCE DEAFNESS; PERILYMPHATIC GUSHER-DEAFNESS SYNDROME; SENSORINEURAL DEAFNESS, PROFOUND, WITH OR WITHOUT A CONDUCTIVE COMPONENT, ASSOCIATED WITH A UNIQUE DEVELOPMENTAL ABNORMALITY OF THE EAR; Deafness, X-linked 2. Identifiers: Orphanet 383, MedGen C1844678, MONDO:0010576, OMIM 304400.
Mutilating keratoderma (VOWNKL). Also called: Keratoderma hereditarium mutilans. Identifiers: Orphanet 494, MedGen C0265964, MONDO:0007422, OMIM 124500.
Autosomal recessive nonsyndromic hearing loss 1A (DFNB1A). Also called: Connexin 26 deafness; Deafness nonsyndromic, Connexin 26 linked; GJB6-Related DFNB 1 Nonsyndromic Hearing Loss and Deafness; Deafness, autosomal recessive 1A; Nonsyndromic Hearing Loss and Deafness, DFNB1; GJB2-Related Autosomal Recessive Nonsyndromic Hearing Loss. Identifiers: Orphanet 90636, MedGen C2673759, MONDO:0009076, OMIM 220290.
Autosomal dominant keratitis-ichthyosis-hearing loss syndrome. Also called: Senter syndrome; KID SYNDROME, AUTOSOMAL DOMINANT; HID SYNDROME. Identifiers: Orphanet 477, MedGen C0265336, MONDO:0007850, OMIM 148210.
Autosomal dominant nonsyndromic hearing loss 3A. Identifiers: Orphanet 90635, MedGen C2675750, MONDO:0011103, OMIM 601544.
GJB2-related disorder. Also called: GJB2-related condition; GJB2-related disorders. Identifiers: MedGen CN382183, MONDO:1060236.
Autosomal recessive nonsyndromic hearing loss 1B. Also called: DEAFNESS, AUTOSOMAL RECESSIVE 1B. Identifiers: Orphanet 90636, MedGen C2675235, MONDO:0012977, OMIM 612645.
Autism spectrum disorder. Also called: Autism spectrum disorders. Identifiers: MedGen C1510586, MeSH D000067877, MONDO:0005258.

Allele frequency attached by ClinVar (database versions not stated): gnomAD exomes 0.00006 and 0.00003; TOPMed 0.00007; gnomAD 0.00004 and 0.00003; ExAC 0.00004.

Submissions 1 to 6 of 25:

PreventionGenetics, part of Exact Sciences
Classification: Pathogenic for GJB2-related condition. Last evaluated: 2026-06-01. Review status: criteria provided, single submitter. Criteria: ACMG Guidelines, 2015. Collection method: clinical testing. Allele origin: germline.
Comment: The GJB2 c.299_300delAT variant is predicted to result in a frameshift and premature protein termination (p.His100Argfs*14). This variant has been reported as pathogenic for autosomal recessive nonsyndromic hearing loss (Abe et al. 2000. PubMed ID: 10633133; Wang et al. 2002. PubMed ID: 12111646; Han et al. 2008. PubMed ID: 19043807). This variant is reported in 0.090% of alleles in individuals of East Asian descent in gnomAD. Nonsense variants in GJB2 are expected to be pathogenic. This variant is interpreted as pathogenic.

Department of Otolaryngology Head and Neck Surgery, Hainan Hospital of the Chinese People’s Liberation Army General Hospital
Classification: Pathogenic for Autosomal recessive nonsyndromic hearing loss 1A. Last evaluated: 2026-02-01. Review status: criteria provided, single submitter. Criteria: ACMG Guidelines, 2015. Collection method: clinical testing. Allele origin: germline. Affected: yes. Observed: 8 variant alleles.
Comment: The GJB2 c.299_300delAT (p.His100Argfs*14) variant is a recurrent frameshift mutation reported in Chinese individuals affected with autosomal recessive nonsyndromic hearing loss(Accession: VCV000044736.50)(Dai 2009). It is absent from large population databases (gnomAD), indicating it is not a common polymorphism. Several affected individuals with this variant were also observed to carry a second pathogenic variant (Abe 2000, Huang 2013, Wang 2002).This variant induces an early termination codon and is predicted to result in a truncated protein or mRNA subject to nonsense-mediated decay (PVS1). In our cohort, patients with biallelic genotypes (compound heterozygous with c.109G>A) exhibit hearing loss with onset ranging from 3 months to 4 years. Heterozygous carriers are asymptomatic. Based on available information, this variant is considered to be pathogenic.

Labcorp Genetics (formerly Invitae), Labcorp
Classification: Pathogenic. Last evaluated: 2026-01-14. Review status: criteria provided, single submitter. Criteria: Invitae Variant Classification Sherloc (09022015). Collection method: clinical testing. Allele origin: germline.
Comment: This sequence change creates a premature translational stop signal (p.His100Argfs*14) in the GJB2 gene. While this is not anticipated to result in nonsense mediated decay, it is expected to disrupt the last 127 amino acid(s) of the GJB2 protein. This variant is present in population databases (rs111033204, gnomAD 0.09%). This premature translational stop signal has been observed in individuals with autosomal recessive deafness (PMID: 10633133, 12111646, 20083784, 22991996, 24341454, 26043044, 27610647). ClinVar contains an entry for this variant (Variation ID: 44736). Algorithms developed to predict the effect of variants on gene product structure and function are not available or were not evaluated for this variant. Experimental studies have shown that this premature translational stop signal affects GJB2 function (PMID: 20095872). This variant disrupts the p.Asn206 amino acid residue in GJB2. Other variant(s) that disrupt this residue have been determined to be pathogenic (PMID: 12172394, 14985372, 15070423, 15967879). This suggests that this residue is clinically significant, and that variants that disrupt this residue are likely to be disease-causing. For these reasons, this variant has been classified as Pathogenic.

Dasa
Classification: Pathogenic. Last evaluated: 2025-11-17. Review status: criteria provided, single submitter. Criteria: DASA Assertion Criteria. Collection method: clinical testing. Allele origin: germline.
Comment: NM_004004.6(GJB2):c.299_300del (p.His100ArgfsTer14) is a frameshift variant in GJB2 predicted to alter the reading frame and introduce a premature termination codon and is predicted to result in an absent or altered protein product. Loss of function is an established disease mechanism for GJB2-associated disorders. Segregation data support an association with disease in the reported family/families (PMID: 10633133). This variant has been recurrently observed in individuals with GJB2-related disorders (PMID: 12111646; PMID: 20083784; PMID: 22991996; PMID: 24341454; PMID: 26043044). Functional evidence supports an impact on the gene or gene product (PMID: 12111646; PMID: 20083784; PMID: 22991996; PMID: 24341454; PMID: 26043044). Also, this variant is rare in population databases. Based on the currently available evidence, this variant is classified as pathogenic.

Natera, Inc.
Classification: Pathogenic for Autosomal recessive deafness type 1A. Last evaluated: 2025-09-08. Review status: criteria provided, single submitter. Criteria: Natera Variant Classification Schema (03/2026). Collection method: clinical testing. Allele origin: germline.
Comment: The c.299_300delAT variant in GJB2 is a frameshift variant predicted to shift the reading frame beginning at codon 100 and leads to a stop codon 14 codons downstream. This variant is expected to result in nonsense mediated decay, truncation, or a dysfunctional protein product. This variant is rare in the general population with a frequency below the threshold expected for the associated phenotype(s). This variant has been observed in one or more individuals affected with the associated recessive disease, as either homozygous or compound heterozygous with a second variant (PMID: 12111646). Additionally, this variant has been observed to segregate in affected family members (PMID: 12111646). Given the available evidence, this variant is classified as Pathogenic.

Variantyx, Inc.
Classification: Pathogenic for Autosomal recessive nonsyndromic hearing loss 1A. Last evaluated: 2025-08-27. Review status: criteria provided, single submitter. Criteria: Variantyx Assertion Criteria 2022. Collection method: clinical testing. Allele origin: germline. Inheritance: Autosomal recessive inheritance. Affected: yes.
Comment: This is a frameshift variant in the GJB2 gene (OMIM: 121011). Pathogenic variants in this gene have been associated with autosomal recessive hearing loss 1A. This variant introduces a premature termination codon in exon 2 out of 2and is expected to disrupt the C-terminal region of protein. While loss of function is a known disease mechanism for GJB2 in this disorder, the functional consequence of this variant cannot be predicted with confidence (PVS1_Strong). This variant has been identified in the homozygous or compound heterozygous state in at least 5 individuals reported in the published literature (PMID: 10633133, 12111646, 22991996, 26432548, 38844983) (PM3). This variant has been observed to segregate with disease in at least 2 individuals from one family (PMID: 12111646) (PP1). This variant has a 0.0958% maximum allele frequency in non-founder control populations. Based on the current evidence, this variant is classified as pathogenic for autosomal recessive hearing loss 1A.

NM_004004.6(GJB2):c.299_300del (p.His100fs)

Gene: GJB2 (gap junction protein beta 2; minus strand). Cytogenetic location: 13q12.11.
Variant type: Deletion.
Coding change: c.299_300del on transcript NM_004004.6 (MANE Select); coding-DNA positions 299 to 300, 2 bases deleted (AT; older notation c.299_300delAT).
Protein change: p.His100fs; shifts the reading frame from histidine 100.
Molecular consequence: frameshift variant.
Genome position (GRCh38, 1-based): chr13:20,189,282-20,189,283, AT deleted on the plus strand (AT on the coding strand, the reverse complement: GJB2 is on the minus strand). VCF-style (leftmost placement, unchanged base first): chr13-20189281-CAT-C. GRCh37 (hg19) VCF-style: chr13-20763420-CAT-C.
Other names: c.299_300delAT (NM_004004.6); c.299_300del (NM_004004.5); short protein forms H100fs.
Identifiers: ClinVar variation 44736 (VCV000044736.59), dbSNP rs111033204, ClinGen allele CA261643.